The following is an entry in ClinVar:

ClinVar aggregate classification (germline): Uncertain significance (1 of 4 stars; one submission).

Submission:

Labcorp Genetics (formerly Invitae), Labcorp
Classification: Uncertain significance. Last evaluated: 2024-10-15. Review status: criteria provided, single submitter. Criteria: Invitae Variant Classification Sherloc (09022015). Collection method: clinical testing. Allele origin: germline.
Comment: This sequence change replaces arginine, which is basic and polar, with methionine, which is neutral and non-polar, at codon 297 of the DCHS1 protein (p.Arg297Met). This variant is not present in population databases (gnomAD no frequency). This variant has not been reported in the literature in individuals affected with DCHS1-related conditions. ClinVar contains an entry for this variant (Variation ID: 1922151). Invitae Evidence Modeling of protein sequence and biophysical properties (such as structural, functional, and spatial information, amino acid conservation, physicochemical variation, residue mobility, and thermodynamic stability) indicates that this missense variant is not expected to disrupt DCHS1 protein function with a negative predictive value of 95%. In summary, the available evidence is currently insufficient to determine the role of this variant in disease. Therefore, it has been classified as a Variant of Uncertain Significance.

NM_003737.4(DCHS1):c.890G>T (p.Arg297Met)

Gene: DCHS1 (dachsous cadherin-related 1; minus strand). Cytogenetic location: 11p15.4.
Variant type: single nucleotide variant.
Coding change: c.890G>T on transcript NM_003737.4 (MANE Select); coding-DNA position 890, G replaced by T.
Protein change: p.Arg297Met; replaces arginine 297 with methionine.
Molecular consequence: missense variant.
Genome position (GRCh38, 1-based): chr11:6,640,724, C>A on the plus strand (G>T on the coding strand, the complement: DCHS1 is on the minus strand). VCF-style: chr11-6640724-C-A. GRCh37 (hg19) VCF-style: chr11-6661955-C-A.
Other names: short protein forms R297M.
Identifiers: ClinVar variation 1922151 (VCV001922151.5), dbSNP rs2493842136, ClinGen allele CA379439079.